The following is an entry in ClinVar:

ClinVar aggregate classification (germline): Uncertain significance (1 of 4 stars; one submission).

Conditions:
Inborn genetic diseases. Identifiers: MedGen C0950123, MeSH D030342.

gnomAD v4.1: 2 of 1,613,920 alleles (0.00012%); highest among the groups gnomAD compares: African/African-American, 0.0027%; no homozygotes.

Submission:

Ambry Genetics
Classification: Uncertain significance for Inborn genetic diseases. Last evaluated: 2025-03-22. Review status: criteria provided, single submitter. Criteria: Ambry Variant Classification Scheme 2023. Collection method: clinical testing. Allele origin: germline.
Comment: The p.S818A variant (also known as c.2452T>G), located in coding exon 12 of the BMPR2 gene, results from a T to G substitution at nucleotide position 2452. The serine at codon 818 is replaced by alanine, an amino acid with similar properties. This amino acid position is conserved. In addition, this alteration is predicted to be tolerated by in silico analysis. Based on the available evidence, the clinical significance of this variant remains unclear.

NM_001204.7(BMPR2):c.2452T>G (p.Ser818Ala)

Gene: BMPR2 (bone morphogenetic protein receptor type 2; plus strand). Cytogenetic location: 2q33.2.
Variant type: single nucleotide variant.
Coding change: c.2452T>G on transcript NM_001204.7 (MANE Select); coding-DNA position 2452, T replaced by G.
Protein change: p.Ser818Ala; replaces serine 818 with alanine.
Molecular consequence: missense variant.
Genome position (GRCh38, 1-based): chr2:202,556,117, T>G. VCF-style: chr2-202556117-T-G. GRCh37 (hg19) VCF-style: chr2-203420840-T-G.
Other names: short protein forms S818A.
Identifiers: ClinVar variation 3992057 (VCV003992057.1).
Genomic context (GRCh38, chr2:202,556,117, plus strand): 5'-GAACCTCATGTGGTGACAGTCACCATGAATGGTGTGGCAGGTAGAAACCACAGTGTTAAC[T>G]CCCATGCTGCCACAACCCAATATGCCAATGGGACAGTACTATCTGGCCAAACAACCAACA-3'
Protein context (NP_001195.2, residues 808-828): GVAGRNHSVN[Ser818Ala]HAATTQYANG